The following is an entry in ClinVar:

ClinVar aggregate classification (germline): Uncertain significance (1 of 4 stars; one submission).

Conditions:
Johanson-Blizzard syndrome (JBS). Also called: Nasal alar hypoplasia, hypothyroidism, pancreatic achylia and congenital deafness. Identifiers: Orphanet 2315, MedGen C0175692, MONDO:0009479, OMIM 243800.

Submission:

MVZ Dr. Eberhard & Partner Dortmund
Classification: Uncertain significance for Johanson-Blizzard syndrome. Last evaluated: 2025-07-08. Review status: criteria provided, single submitter. Criteria: ACMG Guidelines, 2015. Collection method: clinical testing. Allele origin: germline. Inheritance: Autosomal recessive inheritance.
Comment: The variant p.(Phe895Leu) found in UBR1 has not yet been listed in literature and databases.

NM_174916.3(UBR1):c.2685T>G (p.Phe895Leu)

Gene: UBR1 (ubiquitin protein ligase E3 component n-recognin 1; minus strand). Cytogenetic location: 15q15.2.
Variant type: single nucleotide variant.
Coding change: c.2685T>G on transcript NM_174916.3 (MANE Select); coding-DNA position 2685, T replaced by G.
Protein change: p.Phe895Leu; replaces phenylalanine 895 with leucine.
Molecular consequence: missense variant.
Genome position (GRCh38, 1-based): chr15:43,024,883, A>C on the plus strand (T>G on the coding strand, the complement: UBR1 is on the minus strand). VCF-style: chr15-43024883-A-C. GRCh37 (hg19) VCF-style: chr15-43317081-A-C.
Other names: short protein forms F895L.
Identifiers: ClinVar variation 4076114 (VCV004076114.1).